The following is an entry in ClinVar:

ClinVar aggregate classification (germline): Pathogenic (1 of 4 stars; one submission).

Conditions:
Familial cancer of breast. Also called: Hereditary breast cancer; BREAST CANCER, FAMILIAL; hereditary breast carcinoma. Identifiers: Orphanet 227535, MedGen C0346153, MONDO:0016419, OMIM 114480. Disease mechanism: loss of function.

Submission:

Myriad Genetics, Inc.
Classification: Pathogenic for Familial cancer of breast. Last evaluated: 2023-09-07. Review status: criteria provided, single submitter. Criteria: Myriad Autosomal Dominant, Autosomal Recessive and X-Linked Classification Criteria (2023). Collection method: clinical testing. Allele origin: unknown.
Comment: This variant is considered pathogenic. This variant creates a frameshift predicted to result in premature protein truncation.

NM_024675.4(PALB2):c.828del (p.His276fs)

Gene: PALB2 (partner and localizer of BRCA2; minus strand). Cytogenetic location: 16p12.2.
Variant type: Deletion.
Coding change: c.828del on transcript NM_024675.4 (MANE Select); coding-DNA position 828, one base deleted (C; older notation c.828delC).
Protein change: p.His276fs; shifts the reading frame from histidine 276.
Molecular consequence: frameshift variant. On other transcripts: 5 prime UTR variant (8), intron variant (3).
Genome position (GRCh38, 1-based): chr16:23,635,718, G deleted on the plus strand (C on the coding strand, the reverse complement: PALB2 is on the minus strand). VCF-style (leftmost placement, unchanged base first): chr16-23635717-CG-C. GRCh37 (hg19) VCF-style: chr16-23647038-CG-C.
Other names: c.768del, p.His256fs (NM_001407296.1); c.828del, p.His276fs (NM_001407297.1, NM_001407298.1, NM_001407299.1 and 3 more transcripts); c.-58del (NM_001407304.1, NM_001407305.1, NM_001407306.1 and 5 more transcripts); c.48+5392del (NM_001407314.1); c.-104-5249del (NM_001407313.1, NM_001407312.1); short protein forms H256fs, H276fs.
Identifiers: ClinVar variation 2674129 (VCV002674129.1), dbSNP rs2506498622, ClinGen allele CA2695197535.
Genomic context (GRCh38, chr16:23,635,717, plus strand): 5'-TCATTTTTTTGCCTTGTGCCTCCAAACTTACAGGTGAAGTAAATCTAATGTTTTTTAGGT[CG>C]TGAGTAGTAAGTTCACTGCTACCTTTAGGAGGAATGTGTTCAAGGTGCTGACTACTACCG-3'